The following is an entry in ClinVar:

ClinVar aggregate classification (germline): Likely benign. Review status: criteria provided, multiple submitters, no conflicts (2 of 4 stars). 2 submissions from 2 submitters: Likely benign (2). Last evaluated 2024-03-31.

Allele frequency attached by ClinVar (database versions not stated): gnomAD exomes below 0.00001.
gnomAD v4.1: 1 of 1,613,980 alleles (0.000062%); highest among the groups gnomAD compares: Non-Finnish European, 0.000085%; no homozygotes.

Submissions (2):

Labcorp Genetics (formerly Invitae), Labcorp
Classification: Likely benign. Last evaluated: 2024-03-31. Review status: criteria provided, single submitter. Criteria: Invitae Variant Classification Sherloc (09022015). Collection method: clinical testing. Allele origin: germline.

GeneDx
Classification: Likely benign. Last evaluated: 2017-07-13. Review status: criteria provided, single submitter. Criteria: GeneDx Variant Classification (06012015). Collection method: clinical testing. Allele origin: germline. Affected: yes.
Comment: This variant is considered likely benign or benign based on one or more of the following criteria: it is a conservative change, it occurs at a poorly conserved position in the protein, it is predicted to be benign by multiple in silico algorithms, and/or has population frequency not consistent with disease.

NM_001854.4(COL11A1):c.2739C>T (p.Gly913=)

Gene: COL11A1 (collagen type XI alpha 1 chain; minus strand). Cytogenetic location: 1p21.1.
Variant type: single nucleotide variant.
Coding change: c.2739C>T on transcript NM_001854.4 (MANE Select); coding-DNA position 2739, C replaced by T.
Protein change: p.Gly913=; no amino-acid change (glycine 913 retained).
Molecular consequence: synonymous variant. On other transcripts: non-coding transcript variant (1).
Genome position (GRCh38, 1-based): chr1:102,978,723, G>A on the plus strand (C>T on the coding strand, the complement: COL11A1 is on the minus strand). VCF-style: chr1-102978723-G-A. GRCh37 (hg19) VCF-style: chr1-103444279-G-A.
Other names: c.2622C>T, p.Gly874= (NM_001190709.2); c.2775C>T, p.Gly925= (NM_080629.3); c.2391C>T, p.Gly797= (NM_080630.4).
Identifiers: ClinVar variation 510795 (VCV000510795.3), dbSNP rs1553224335, ClinGen allele CA419199900.